The following is an entry in ClinVar:

ClinVar aggregate classification (germline): Benign (1 of 4 stars; one submission).

Allele frequency attached by ClinVar (database versions not stated): 1000 Genomes Project 0.82248; 1000 Genomes Project 30x 0.82573; TOPMed 0.87081; gnomAD 0.87616; gnomAD exomes 0.92663.
gnomAD v4.1: 1,193,494 of 1,297,158 alleles (92%); highest among the groups gnomAD compares: Non-Finnish European, 94%; 551,178 homozygotes.

Submission:

Unidad de Genómica Garrahan, Hospital de Pediatría Garrahan
Classification: Benign. Last evaluated: 2024-01-24. Review status: criteria provided, single submitter. Criteria: ACMG Guidelines, 2015. Collection method: clinical testing. Allele origin: germline. Affected: no. Observed: 84 variant alleles.
Comment: This variant is classified as Benign based on local population frequency. This variant was detected in 95% of patients studied by a panel of primary immunodeficiencies. Number of patients: 84. Only high quality variants are reported.

NM_001354930.2(RIPK1):c.321+97C>A

Gene: RIPK1 (receptor interacting serine/threonine kinase 1; plus strand). Cytogenetic location: 6p25.2.
Variant type: single nucleotide variant.
Coding change: c.321+97C>A on transcript NM_001354930.2 (MANE Select); 97 bases into the intron after coding-DNA position 321, C replaced by A.
Molecular consequence: intron variant.
Genome position (GRCh38, 1-based): chr6:3,078,032, C>A. VCF-style: chr6-3078032-C-A. GRCh37 (hg19) VCF-style: chr6-3078266-C-A.
Other names: c.-283+97C>A (NM_001317061.3, NM_001354932.2, NM_001354934.2 and 1 more transcripts); c.321+97C>A (NM_003804.6, NM_001354931.2).
Identifiers: ClinVar variation 2688444 (VCV002688444.2), dbSNP rs6907943, ClinGen allele CA12260347.
Genomic context (GRCh38, chr6:3,078,032, plus strand): 5'-TTGGGCCCTGGCTGTCTGTTATGGCTCCCCTTGGGGTGTTTGTTTGCAGCTCGTTAGCAT[C>A]AAATTTGCAAATTGCTTGGTAGTTTGAATTTTCTTTTCCTTTTTTTATAGAGACAAGGTC-3'